The following is an entry in ClinVar:

NM_001079843.3(CASZ1):c.5205G>A (p.Ala1735=)

Gene: CASZ1 (castor zinc finger 1; minus strand). Cytogenetic location: 1p36.22.
Variant type: single nucleotide variant.
Coding change: c.5205G>A on transcript NM_001079843.3 (MANE Select); coding-DNA position 5205, G replaced by A.
Protein change: p.Ala1735=; no amino-acid change (alanine 1735 retained).
Molecular consequence: synonymous variant.
Genome position (GRCh38, 1-based): chr1:10,639,017, C>T on the plus strand (G>A on the coding strand, the complement: CASZ1 is on the minus strand). VCF-style: chr1-10639017-C-T. GRCh37 (hg19) VCF-style: chr1-10699074-C-T.
Identifiers: ClinVar variation 1591710 (VCV001591710.10), dbSNP rs756031581, ClinGen allele CA584054.

ClinVar aggregate classification (germline): Likely benign. Review status: criteria provided, multiple submitters, no conflicts (2 of 4 stars). 3 submissions from 3 submitters: Likely benign (3). Last evaluated 2026-09-01.

Allele frequency attached by ClinVar (database versions not stated): gnomAD 0.00103 and 0.00106; 1000 Genomes Project 30x 0.00203.
gnomAD v4.1: 202 of 1,001,724 alleles (0.02%); highest among the groups gnomAD compares: African/African-American, 0.32%; no homozygotes.

Submissions (3):

CeGaT Center for Human Genetics Tuebingen
Classification: Likely benign. Last evaluated: 2026-09-01. Review status: criteria provided, single submitter. Criteria: CeGaT Center For Human Genetics Tuebingen Variant Classification Criteria Version 2. Collection method: clinical testing. Allele origin: germline. Affected: yes. Observed: 1 variant allele.
Comment: CASZ1: BP4, BP7

Blueprint Genetics
Classification: Likely benign. Last evaluated: 2024-10-03. Review status: criteria provided, single submitter. Criteria: ACMG Guidelines, 2015. Collection method: clinical testing. Allele origin: germline.

Labcorp Genetics (formerly Invitae), Labcorp
Classification: Likely benign. Last evaluated: 2024-03-16. Review status: criteria provided, single submitter. Criteria: Invitae Variant Classification Sherloc (09022015). Collection method: clinical testing. Allele origin: germline.